The following is an entry in ClinVar:

NM_032578.4(MYPN):c.1225C>T (p.Arg409Cys)

Gene: MYPN (myopalladin; plus strand). Cytogenetic location: 10q21.3.
Variant type: single nucleotide variant.
Coding change: c.1225C>T on transcript NM_032578.4 (MANE Select); coding-DNA position 1225, C replaced by T.
Protein change: p.Arg409Cys; replaces arginine 409 with cysteine.
Molecular consequence: missense variant. On other transcripts: non-coding transcript variant (2).
Genome position (GRCh38, 1-based): chr10:68,148,447, C>T. VCF-style: chr10-68148447-C-T. GRCh37 (hg19) VCF-style: chr10-69908204-C-T.
Other names: c.1225C>T (NM_032578.2); c.1225C>T, p.Arg409Cys (NM_001256267.2); c.343C>T, p.Arg115Cys (NM_001256268.2); short protein forms R409C, R115C.
Identifiers: ClinVar variation 449328 (VCV000449328.15), dbSNP rs757431496, ClinGen allele CA5522477.

ClinVar aggregate classification (germline): Uncertain significance. Review status: criteria provided, multiple submitters, no conflicts (2 of 4 stars). 5 submissions from 5 submitters: Uncertain significance (5). Last evaluated 2025-08-14.

Conditions:
MYPN-related disorder. Also called: MYPN-related condition.
Cardiovascular phenotype. Identifiers: MedGen CN230736.
Dilated cardiomyopathy 1KK (CMD1KK). Identifiers: Orphanet 154, Orphanet 75249, MedGen C3714995, MONDO:0014100, OMIM 615248.

Allele frequency attached by ClinVar (database versions not stated): ExAC 0.00002; TOPMed 0.00002; gnomAD 0.00001; gnomAD exomes 0.00001.

Submissions (5):

Ambry Genetics
Classification: Uncertain significance for Cardiovascular phenotype. Last evaluated: 2025-08-14. Review status: criteria provided, single submitter. Criteria: Ambry Variant Classification Scheme 2023. Collection method: clinical testing. Allele origin: germline.
Comment: The p.R409C variant (also known as c.1225C>T), located in coding exon 4 of the MYPN gene, results from a C to T substitution at nucleotide position 1225. The arginine at codon 409 is replaced by cysteine, an amino acid with highly dissimilar properties. This amino acid position is poorly conserved in available vertebrate species. In addition, this alteration is predicted to be tolerated by in silico analysis. Based on the available evidence, the clinical significance of this variant remains unclear.

PreventionGenetics, part of Exact Sciences
Classification: Uncertain significance for MYPN-related condition. Last evaluated: 2025-03-25. Review status: criteria provided, single submitter. Criteria: ACMG Guidelines, 2015. Collection method: clinical testing. Allele origin: germline.
Comment: The MYPN c.1225C>T variant is predicted to result in the amino acid substitution p.Arg409Cys. This variant has been reported in an individual with dilated cardiomyopathy (described as p.Arg115Cys, Chami et al. 2014. PubMed ID: 25448463). This variant is reported in 0.0018% of alleles in individuals of European (Non-Finnish) descent in gnomAD. At this time, the clinical significance of this variant is uncertain due to the absence of conclusive functional and genetic evidence.

Labcorp Genetics (formerly Invitae), Labcorp
Classification: Uncertain significance for Dilated cardiomyopathy 1KK. Last evaluated: 2024-05-06. Review status: criteria provided, single submitter. Criteria: Invitae Variant Classification Sherloc (09022015). Collection method: clinical testing. Allele origin: germline.
Comment: This sequence change replaces arginine, which is basic and polar, with cysteine, which is neutral and slightly polar, at codon 409 of the MYPN protein (p.Arg409Cys). This variant is present in population databases (rs757431496, gnomAD 0.002%). This missense change has been observed in individual(s) with dilated cardiomyopathy (PMID: 25448463). This variant is also known as 10:69908204 C>T. ClinVar contains an entry for this variant (Variation ID: 449328). An algorithm developed to predict the effect of missense changes on protein structure and function (PolyPhen-2) suggests that this variant is likely to be tolerated. Algorithms developed to predict the effect of sequence changes on RNA splicing suggest that this variant may disrupt the consensus splice site. In summary, the available evidence is currently insufficient to determine the role of this variant in disease. Therefore, it has been classified as a Variant of Uncertain Significance.

GeneDx
Classification: Uncertain significance. Last evaluated: 2017-08-17. Review status: criteria provided, single submitter. Criteria: GeneDx Variant Classification (06012015). Collection method: clinical testing. Allele origin: germline. Affected: yes.
Comment: The R409C variant in the MYPN gene has been reported previously as a variant identified via a whole exome sequencing study of 26 French families with dilated cardiomyopathy (Chami et al., 2014); however, additional family history, segregation, and phenotypic information was not provided. The R409C variant is not observed in large population cohorts (Lek et al., 2016; 1000 Genomes Consortium et al., 2015; Exome Variant Server). The R409C variant is a non-conservative amino acid substitution, which is likely to impact secondary protein structure as these residues differ in polarity, charge, size and/or other properties. This substitution occurs at a position that is not conserved. In silico analysis is inconsistent in its predictions as to whether or not the variant is damaging to the protein structure/function. We interpret R409C as a variant of uncertain significance.

Laboratory for Molecular Medicine, Mass General Brigham Personalized Medicine
Classification: Uncertain significance. Last evaluated: 2016-06-16. Review status: criteria provided, single submitter. Criteria: LMM Criteria. Collection method: clinical testing. Allele origin: germline. Observed: 2 variant alleles.
Comment: The p.Arg409Cys variant in MYPN has been reported in 1 individual with DCM (Cham i 2014). This variant has been identified in 2/66730 European chromosomes by the Exome Aggregation Consortium (ExAC; dbSNP rs757 431496). Computational prediction tools and conservation analysis suggest that t he p.Arg409Cys variant may not impact the protein, though this information is no t predictive enough to rule out pathogenicity. In summary, the clinical signific ance of the p.Arg409Cys variant is uncertain.

Literature cited by the submitters: PubMed 25448463 (cited by Labcorp Genetics (formerly Invitae), Labcorp and Laboratory for Molecular Medicine, Mass General Brigham Personalized Medicine).